The following is an entry in ClinVar:

ClinVar aggregate classification (germline): Benign. Review status: criteria provided, multiple submitters, no conflicts (2 of 4 stars). 2 submissions from 2 submitters: Benign (2). Last evaluated 2018-01-13.

Conditions:
Nephronophthisis 9 (NPHP9). Identifiers: Orphanet 655, MedGen C3151188, MONDO:0013444, OMIM 613824.

Allele frequency attached by ClinVar (database versions not stated): gnomAD exomes 0.00519; gnomAD 0.00686 and 0.00728; TOPMed 0.01303; 1000 Genomes Project 0.01937; 1000 Genomes Project 30x 0.02014.
gnomAD v4.1: 1,740 of 274,262 alleles (0.63%); highest among the groups gnomAD compares: Admixed American, 6.4%; 73 homozygotes.

Submissions (2):

Illumina Laboratory Services, Illumina
Classification: Benign for Nephronophthisis 9. Last evaluated: 2018-01-13. Review status: criteria provided, single submitter. Criteria: ICSL Variant Classification Criteria 13 December 2019. Collection method: clinical testing. Allele origin: germline.
Comment: This variant was observed in the ICSL laboratory as part of a predisposition screen in an ostensibly healthy population. It had not been previously curated by ICSL or reported in the Human Gene Mutation Database (HGMD: prior to June 1st, 2018), and was therefore a candidate for classification through an automated scoring system. Utilizing variant allele frequency, disease prevalence and penetrance estimates, and inheritance mode, an automated score was calculated to assess if this variant is too frequent to cause the disease. Based on the score and internal cut-off values, a variant classified as benign is not then subjected to further curation. The score for this variant resulted in a classification of benign for this disease.

Breakthrough Genomics
Classification: Benign. Review status: criteria provided, single submitter. Criteria: ACMG Guidelines, 2015. Collection method: not provided. Allele origin: germline. Inheritance: Autosomal recessive inheritance. Affected: yes.

NM_178170.3(NEK8):c.*430C>A

Gene: NEK8 (NIMA related kinase 8; plus strand). Cytogenetic location: 17q11.2.
Variant type: single nucleotide variant.
Coding change: c.*430C>A on transcript NM_178170.3 (MANE Select); 430 bases downstream of the stop codon, C replaced by A.
Molecular consequence: 3 prime UTR variant.
Genome position (GRCh38, 1-based): chr17:28,742,417, C>A. VCF-style: chr17-28742417-C-A. GRCh37 (hg19) VCF-style: chr17-27069435-C-A.
Identifiers: ClinVar variation 322498 (VCV000322498.6), dbSNP rs4795455, ClinGen allele CA10648944.